The following is an entry in ClinVar:

NM_019109.5(ALG1):c.741-1G>T

Gene: ALG1 (ALG1 chitobiosyldiphosphodolichol beta-mannosyltransferase; plus strand). Cytogenetic location: 16p13.3.
Variant type: single nucleotide variant.
Coding change: c.741-1G>T on transcript NM_019109.5 (MANE Select); the canonical splice acceptor site of the intron before coding-DNA position 741, G replaced by T.
Molecular consequence: splice acceptor variant.
Genome position (GRCh38, 1-based): chr16:5,078,756, G>T. VCF-style: chr16-5078756-G-T. GRCh37 (hg19) VCF-style: chr16-5128757-G-T.
Other names: c.408-1G>T (NM_001330504.2).
Identifiers: ClinVar variation 3640331 (VCV003640331.3).

ClinVar aggregate classification (germline): Likely pathogenic (1 of 4 stars; one submission).

Conditions:
ALG1-congenital disorder of glycosylation. Also called: CONGENITAL DISORDER OF GLYCOSYLATION, TYPE Ik; CDG Ik; ALG1-CDG. Identifiers: Orphanet 79327, MedGen C2931005, MONDO:0012052, OMIM 608540.

Submissions (2):

Labcorp Genetics (formerly Invitae), Labcorp
Classification: Likely pathogenic for ALG1-congenital disorder of glycosylation. Last evaluated: 2024-02-12. Review status: criteria provided, single submitter. Criteria: Invitae Variant Classification Sherloc (09022015). Collection method: clinical testing. Allele origin: germline.
Comment: This sequence change affects an acceptor splice site in intron 6 of the ALG1 gene. It is expected to disrupt RNA splicing. Variants that disrupt the donor or acceptor splice site typically lead to a loss of protein function (PMID: 16199547), and loss-of-function variants in ALG1 are known to be pathogenic (PMID: 20679665, 23806237). This variant is not present in population databases (gnomAD no frequency). This variant has not been reported in the literature in individuals affected with ALG1-related conditions. Algorithms developed to predict the effect of sequence changes on RNA splicing suggest that this variant may disrupt the consensus splice site. In summary, the currently available evidence indicates that the variant is pathogenic, but additional data are needed to prove that conclusively. Therefore, this variant has been classified as Likely Pathogenic.

Dr. Peter K. Rogan Lab, Western University
No classification provided (evidence only). Condition: Acute myeloid leukemia. Review status: no classification provided. Collection method: in vitro. Allele origin: not applicable. Functional consequence: cryptic splice site. Not counted in ClinVar's aggregate classification.

Literature cited by the submitters: PubMed 16199547 (cited by Labcorp Genetics (formerly Invitae), Labcorp); PubMed 20679665 (cited by Labcorp Genetics (formerly Invitae), Labcorp); PubMed 23806237 (cited by Labcorp Genetics (formerly Invitae), Labcorp).